The following is an entry in ClinVar:

NM_018897.3(DNAH7):c.3609A>G (p.Ile1203Met)

Gene: DNAH7 (dynein axonemal heavy chain 7; minus strand). Cytogenetic location: 2q32.3.
Variant type: single nucleotide variant.
Coding change: c.3609A>G on transcript NM_018897.3 (MANE Select); coding-DNA position 3609, A replaced by G.
Protein change: p.Ile1203Met; replaces isoleucine 1203 with methionine.
Molecular consequence: missense variant.
Genome position (GRCh38, 1-based): chr2:195,926,429, T>C on the plus strand (A>G on the coding strand, the complement: DNAH7 is on the minus strand). VCF-style: chr2-195926429-T-C. GRCh37 (hg19) VCF-style: chr2-196791153-T-C.
Other names: short protein forms I1203M.
Identifiers: ClinVar variation 3343032 (VCV003343032.2).
Genomic context (GRCh38, chr2:195,926,429, plus strand): 5'-GGCAATAATACTATTGAAAAAATGCTTAAAAAAACCCGAGGGTTAATAAAACCTTACCTT[T>C]ATCCCCATTGGAATAGCTGTTTGTACTTCTTTTGTCCAAAAGATTTGGGATACACAGAGA-3'
Protein context (NP_061720.2, residues 1193-1213): KEVQTAIPMG[Ile1203Met]KALEQYLKTC

ClinVar aggregate classification (germline): Uncertain significance. Review status: criteria provided, multiple submitters, no conflicts (2 of 4 stars). 2 submissions from 2 submitters: Uncertain significance (2). Last evaluated 2025-12-10.

gnomAD v4.1: 3 of 1,574,570 alleles (0.00019%); highest among the groups gnomAD compares: Admixed American, 0.0057%; no homozygotes.

Submissions (2):

Ambry Genetics
Classification: Uncertain significance. Last evaluated: 2025-12-10. Review status: criteria provided, single submitter. Criteria: Ambry Variant Classification Scheme 2023. Collection method: clinical testing. Allele origin: germline.

GeneDx
Classification: Uncertain significance. Last evaluated: 2023-04-07. Review status: criteria provided, single submitter. Criteria: GeneDx Variant Classification Process June 2021. Collection method: clinical testing. Allele origin: germline. Affected: yes.
Comment: In silico analysis supports that this missense variant does not alter protein structure/function; Has not been previously published as pathogenic or benign to our knowledge; Variants in candidate genes are classified as variants of uncertain significance in accordance with ACMG guidelines (Richards et al., 2015)